The following is an entry in ClinVar:

ClinVar aggregate classification (germline): Uncertain significance. Review status: criteria provided, multiple submitters, no conflicts (2 of 4 stars). 2 submissions from 2 submitters: Uncertain significance (2). Last evaluated 2022-10-25.

Allele frequency attached by ClinVar (database versions not stated): TOPMed 0.00001.
gnomAD v4.1: 21 of 1,613,916 alleles (0.0013%); highest among the groups gnomAD compares: Non-Finnish European, 0.0018%; no homozygotes.

Submissions (2):

Labcorp Genetics (formerly Invitae), Labcorp
Classification: Uncertain significance. Last evaluated: 2022-10-25. Review status: criteria provided, single submitter. Criteria: Invitae Variant Classification Sherloc (09022015). Collection method: clinical testing. Allele origin: germline.
Comment: In summary, the available evidence is currently insufficient to determine the role of this variant in disease. Therefore, it has been classified as a Variant of Uncertain Significance. Algorithms developed to predict the effect of sequence changes on RNA splicing suggest that this variant may create or strengthen a splice site. Algorithms developed to predict the effect of missense changes on protein structure and function (SIFT, PolyPhen-2, Align-GVGD) all suggest that this variant is likely to be disruptive. This variant has not been reported in the literature in individuals affected with EPHA4-related conditions. This variant is not present in population databases (gnomAD no frequency). This sequence change replaces serine, which is neutral and polar, with glycine, which is neutral and non-polar, at codon 525 of the EPHA4 protein (p.Ser525Gly).

Ambry Genetics
Classification: Uncertain significance. Last evaluated: 2021-09-01. Review status: criteria provided, single submitter. Criteria: Ambry Variant Classification Scheme 2023. Collection method: clinical testing. Allele origin: germline.

NM_004438.5(EPHA4):c.1573A>G (p.Ser525Gly)

Gene: EPHA4 (EPH receptor A4; minus strand). Cytogenetic location: 2q36.1.
Variant type: single nucleotide variant.
Coding change: c.1573A>G on transcript NM_004438.5 (MANE Select); coding-DNA position 1573, A replaced by G.
Protein change: p.Ser525Gly; replaces serine 525 with glycine.
Molecular consequence: missense variant.
Genome position (GRCh38, 1-based): chr2:221,456,643, T>C on the plus strand (A>G on the coding strand, the complement: EPHA4 is on the minus strand). VCF-style: chr2-221456643-T-C. GRCh37 (hg19) VCF-style: chr2-222321363-T-C.
Other names: c.1573A>G, p.Ser525Gly (NM_001304536.2, NM_001363748.2); c.1420A>G, p.Ser474Gly (NM_001304537.2); short protein forms S474G, S525G.
Identifiers: ClinVar variation 2248674 (VCV002248674.5), dbSNP rs1690962352, ClinGen allele CA350405352.